The following is an entry in ClinVar:

NM_152309.3(PIK3AP1):c.2378C>T (p.Thr793Ile)

Gene: PIK3AP1 (phosphoinositide-3-kinase adaptor protein 1; minus strand). Cytogenetic location: 10q24.1.
Variant type: single nucleotide variant.
Coding change: c.2378C>T on transcript NM_152309.3 (MANE Select); coding-DNA position 2378, C replaced by T.
Protein change: p.Thr793Ile; replaces threonine 793 with isoleucine.
Molecular consequence: missense variant.
Genome position (GRCh38, 1-based): chr10:96,595,617, G>A on the plus strand (C>T on the coding strand, the complement: PIK3AP1 is on the minus strand). VCF-style: chr10-96595617-G-A. GRCh37 (hg19) VCF-style: chr10-98355374-G-A.
Other names: short protein forms T793I.
Identifiers: ClinVar variation 1360489 (VCV001360489.6), dbSNP rs140404891, ClinGen allele CA5625972.

ClinVar aggregate classification (germline): Uncertain significance (1 of 4 stars; one submission).

Conditions:
Infantile spasms. Also called: Infantile spasm. Identifiers: MedGen C3887898, HP:0012469.

Allele frequency attached by ClinVar (database versions not stated): gnomAD exomes 0.00001; ExAC 0.00002; ESP Exome Variant Server 0.00008.
gnomAD v4.1: 13 of 1,613,256 alleles (0.00081%); highest among the groups gnomAD compares: Non-Finnish European, 0.0011%; no homozygotes.

Submission:

Labcorp Genetics (formerly Invitae), Labcorp
Classification: Uncertain significance for Infantile spasms. Last evaluated: 2023-12-18. Review status: criteria provided, single submitter. Criteria: Invitae Variant Classification Sherloc (09022015). Collection method: clinical testing. Allele origin: germline.
Comment: This sequence change replaces threonine, which is neutral and polar, with isoleucine, which is neutral and non-polar, at codon 793 of the PIK3AP1 protein (p.Thr793Ile). This variant is present in population databases (rs140404891, gnomAD 0.002%). This variant has not been reported in the literature in individuals affected with PIK3AP1-related conditions. ClinVar contains an entry for this variant (Variation ID: 1360489). Algorithms developed to predict the effect of missense changes on protein structure and function output the following: SIFT: "Not Available"; PolyPhen-2: "Benign"; Align-GVGD: "Not Available". The isoleucine amino acid residue is found in multiple mammalian species, which suggests that this missense change does not adversely affect protein function. In summary, the available evidence is currently insufficient to determine the role of this variant in disease. Therefore, it has been classified as a Variant of Uncertain Significance.